The following is an entry in ClinVar:

ClinVar aggregate classification (germline): Uncertain significance. Review status: criteria provided, multiple submitters, no conflicts (2 of 4 stars). 5 submissions from 5 submitters: Uncertain significance (5). Last evaluated 2026-02-25.

Conditions:
PLEKHG5-related disorder. Also called: PLEKHG5-related condition.
Inborn genetic diseases. Identifiers: MedGen C0950123, MeSH D030342.
Charcot-Marie-Tooth disease recessive intermediate C. Also called: CHARCOT-MARIE-TOOTH NEUROPATHY, RECESSIVE INTERMEDIATE C. Identifiers: Orphanet 369867, MedGen C3809309, MONDO:0014154, OMIM 615376.
Neuronopathy, distal hereditary motor, autosomal recessive 4. Also called: NEUROPATHY, DISTAL HEREDITARY MOTOR, AUTOSOMAL RECESSIVE 4; Autosomal recessive lower motor neuron disease with childhood onset. Identifiers: Orphanet 206580, MedGen C1970211, MONDO:0012608, OMIM 611067.

Allele frequency attached by ClinVar (database versions not stated): TOPMed 0.00002; gnomAD exomes 0.00004 and 0.00012; ExAC 0.00005; gnomAD 0.00005 and 0.00006; ESP Exome Variant Server 0.00008.
gnomAD v4.1: 175 of 1,613,356 alleles (0.011%); highest among the groups gnomAD compares: Non-Finnish European, 0.014%; no homozygotes.

Submissions (5):

Women's Health and Genetics/Laboratory Corporation of America, LabCorp
Classification: Uncertain significance. Last evaluated: 2026-02-25. Review status: criteria provided, single submitter. Criteria: LabCorp Variant Classification Summary - May 2015. Collection method: clinical testing. Allele origin: germline.
Comment: Variant summary: PLEKHG5 c.124G>C (p.Glu42Gln) results in a conservative amino acid change in the encoded protein sequence. Algorithms developed to predict the effect of missense changes on protein structure and function are either unavailable or do not agree on the potential impact of this missense change. The variant allele was found at a frequency of 4.4e-05 in 250848 control chromosomes. This frequency is not significantly higher than estimated for disease-causing variants in PLEKHG5, allowing no conclusion about variant significance. To our knowledge, no occurrence of c.124G>C in individuals affected with PLEKHG5-related conditions and no experimental evidence demonstrating its impact on protein function have been reported. ClinVar contains an entry for this variant (Variation ID: 665331). Based on the evidence outlined above, the variant was classified as uncertain significance.

PreventionGenetics, part of Exact Sciences
Classification: Uncertain significance for PLEKHG5-related condition. Last evaluated: 2026-01-22. Review status: criteria provided, single submitter. Criteria: ACMG Guidelines, 2015. Collection method: clinical testing. Allele origin: germline.
Comment: The PLEKHG5 c.124G>C variant is predicted to result in the amino acid substitution p.Glu42Gln. To our knowledge, this variant has not been reported in the literature. This variant is reported in 0.010% of alleles in individuals of European (Non-Finnish) descent in gnomAD. At this time, the clinical significance of this variant is uncertain due to the absence of conclusive functional and genetic evidence.

Labcorp Genetics (formerly Invitae), Labcorp
Classification: Uncertain significance for Neuronopathy, distal hereditary motor, autosomal recessive 4; Charcot-Marie-Tooth disease recessive intermediate C. Last evaluated: 2022-07-15. Review status: criteria provided, single submitter. Criteria: Invitae Variant Classification Sherloc (09022015). Collection method: clinical testing. Allele origin: germline.
Comment: This sequence change replaces glutamic acid, which is acidic and polar, with glutamine, which is neutral and polar, at codon 42 of the PLEKHG5 protein (p.Glu42Gln). This variant is present in population databases (rs373611638, gnomAD 0.01%). This variant has not been reported in the literature in individuals affected with PLEKHG5-related conditions. ClinVar contains an entry for this variant (Variation ID: 665331). Algorithms developed to predict the effect of missense changes on protein structure and function are either unavailable or do not agree on the potential impact of this missense change (SIFT: "Tolerated"; PolyPhen-2: "Possibly Damaging"; Align-GVGD: "Class C0"). In summary, the available evidence is currently insufficient to determine the role of this variant in disease. Therefore, it has been classified as a Variant of Uncertain Significance.

Ambry Genetics
Classification: Uncertain significance for Inborn genetic diseases. Last evaluated: 2021-02-26. Review status: criteria provided, single submitter. Criteria: Ambry Variant Classification Scheme 2023. Collection method: clinical testing. Allele origin: germline.
Comment: The p.E42Q variant (also known as c.124G>C), located in coding exon 2 of the PLEKHG5 gene, results from a G to C substitution at nucleotide position 124. The glutamic acid at codon 42 is replaced by glutamine, an amino acid with highly similar properties. This amino acid position is highly conserved in available vertebrate species. In addition, this alteration is predicted to be tolerated by in silico analysis. Since supporting evidence is limited at this time, the clinical significance of this alteration remains unclear.

GeneDx
Classification: Uncertain significance. Last evaluated: 2019-07-17. Review status: criteria provided, single submitter. Criteria: GeneDx Variant Classification Process June 2021. Collection method: clinical testing. Allele origin: germline. Affected: yes.
Comment: Not observed at a significant frequency in large population cohorts (Lek et al., 2016); In silico analysis, which includes protein predictors and evolutionary conservation, supports that this variant does not alter protein structure/function; Has not been previously published as pathogenic or benign to our knowledge

NM_020631.6(PLEKHG5):c.124G>C (p.Glu42Gln)

Gene: PLEKHG5 (pleckstrin homology and RhoGEF domain containing G5; minus strand). Cytogenetic location: 1p36.31.
Variant type: single nucleotide variant.
Coding change: c.124G>C on transcript NM_020631.6 (MANE Select); coding-DNA position 124, G replaced by C.
Protein change: p.Glu42Gln; replaces glutamic acid 42 with glutamine.
Molecular consequence: missense variant.
Genome position (GRCh38, 1-based): chr1:6,475,956, C>G on the plus strand (G>C on the coding strand, the complement: PLEKHG5 is on the minus strand). VCF-style: chr1-6475956-C-G. GRCh37 (hg19) VCF-style: chr1-6536016-C-G.
Other names: c.331G>C, p.Glu111Gln (NM_001265593.2); c.124G>C, p.Glu42Gln (NM_001265594.3, NM_198681.4, NM_001042664.2 and 1 more transcripts); c.235G>C, p.Glu79Gln (NM_001042663.3, NM_001265592.2); short protein forms E42Q, E111Q, E79Q.
Identifiers: ClinVar variation 665331 (VCV000665331.12), dbSNP rs373611638, ClinGen allele CA561984.
Genomic context (GRCh38, chr1:6,475,956, plus strand): 5'-CCAGGTATCTCTCTGCCCACTCATCCCTCACCTACCCTTTGCCATCCACAGAGCTCTCCT[C>G]CTCCTCCTCCTCCAAGTCCACTGCGGGGCTGGTGCGCGGCGGGCATGACCGGGTGGACAC-3'
Protein context (NP_065682.2, residues 32-52): SPAVDLEEEE[Glu42Gln]ESSVDGKGDR